The following is an entry in ClinVar:

NM_007194.4(CHEK2):c.1031T>G (p.Ile344Arg)

Gene: CHEK2 (checkpoint kinase 2; minus strand). Cytogenetic location: 22q12.1.
Variant type: single nucleotide variant.
Coding change: c.1031T>G on transcript NM_007194.4 (MANE Select); coding-DNA position 1031, T replaced by G.
Protein change: p.Ile344Arg; replaces isoleucine 344 with arginine.
Molecular consequence: missense variant. On other transcripts: intron variant (3).
Genome position (GRCh38, 1-based): chr22:28,696,965, A>C on the plus strand (T>G on the coding strand, the complement: CHEK2 is on the minus strand). VCF-style: chr22-28696965-A-C. GRCh37 (hg19) VCF-style: chr22-29092953-A-C.
Other names: c.1160T>G, p.Ile387Arg (NM_001005735.3); c.368T>G, p.Ile123Arg (NM_001257387.3, NM_001437942.1); c.830T>G, p.Ile277Arg (NM_001349956.3); c.1124T>G, p.Ile375Arg (NM_001438293.1); c.1009-1092T>G (NM_145862.3); c.1102-1092T>G (NM_001438295.1); c.1138-1092T>G (NM_001438294.1); short protein forms I277R, I387R, I123R, I344R, I375R.
Identifiers: ClinVar variation 1771378 (VCV001771378.3), dbSNP rs1569116223, ClinGen allele CA411097762.
Genomic context (GRCh38, chr22:28,696,965, plus strand): 5'-ATAAGACAGTCCTCTTCTTGAGATGACAGTAAAACATTCTCTGGCTTTAAGTCACGGTGT[A>C]TAATACCGTTTTCATGAAGGTACTACACAGAAAGGCAGGCATGACCCTCAGATTCATGCA-3'
Protein context (NP_009125.1, residues 334-354): AVQYLHENGI[Ile344Arg]HRDLKPENVL

ClinVar aggregate classification (germline): Uncertain significance. Review status: criteria provided, multiple submitters, no conflicts (2 of 4 stars). 2 submissions from 2 submitters: Uncertain significance (2). Last evaluated 2025-11-24.

Conditions:
Hereditary cancer-predisposing syndrome. Also called: Hereditary Cancer Syndrome; Hereditary neoplastic syndrome; Neoplastic Syndromes, Hereditary; Tumor predisposition. Identifiers: Orphanet 140162, MedGen C0027672, MeSH D009386, MONDO:0015356.
Familial cancer of breast. Also called: BREAST CANCER, FAMILIAL; Hereditary breast cancer; hereditary breast carcinoma. Identifiers: Orphanet 227535, MedGen C0346153, MONDO:0016419, OMIM 114480. Disease mechanism: loss of function.

Submissions (2):

Labcorp Genetics (formerly Invitae), Labcorp
Classification: Uncertain significance for Familial cancer of breast. Last evaluated: 2025-11-24. Review status: criteria provided, single submitter. Criteria: Invitae Variant Classification Sherloc (09022015). Collection method: clinical testing. Allele origin: germline.
Comment: This sequence change replaces isoleucine, which is neutral and non-polar, with arginine, which is basic and polar, at codon 344 of the CHEK2 protein (p.Ile344Arg). This variant is not present in population databases (gnomAD no frequency). This variant has not been reported in the literature in individuals affected with CHEK2-related conditions. ClinVar contains an entry for this variant (Variation ID: 1771378). An algorithm developed to predict the effect of missense changes on protein structure and function (PolyPhen-2) suggests that this variant is likely to be disruptive. In summary, the available evidence is currently insufficient to determine the role of this variant in disease. Therefore, it has been classified as a Variant of Uncertain Significance.

Ambry Genetics
Classification: Uncertain significance for Hereditary cancer-predisposing syndrome. Last evaluated: 2022-08-17. Review status: criteria provided, single submitter. Criteria: Ambry Variant Classification Scheme 2023. Collection method: clinical testing. Allele origin: germline.
Comment: The p.I344R variant (also known as c.1031T>G), located in coding exon 9 of the CHEK2 gene, results from a T to G substitution at nucleotide position 1031. The isoleucine at codon 344 is replaced by arginine, an amino acid with similar properties. This amino acid position is conserved. In addition, this alteration is predicted to be deleterious by in silico analysis. Since supporting evidence is limited at this time, the clinical significance of this alteration remains unclear.